The following is an entry in ClinVar:

NM_053025.4(MYLK):c.649G>T (p.Val217Phe)

Gene: MYLK (myosin light chain kinase; minus strand). Cytogenetic location: 3q21.1.
Variant type: single nucleotide variant.
Coding change: c.649G>T on transcript NM_053025.4 (MANE Select); coding-DNA position 649, G replaced by T.
Protein change: p.Val217Phe; replaces valine 217 with phenylalanine.
Molecular consequence: missense variant.
Genome position (GRCh38, 1-based): chr3:123,737,483, C>A on the plus strand (G>T on the coding strand, the complement: MYLK is on the minus strand). VCF-style: chr3-123737483-C-A. GRCh37 (hg19) VCF-style: chr3-123456330-C-A.
Other names: c.121G>T, p.Val41Phe (NM_001321309.2); c.649G>T, p.Val217Phe (NM_053026.4, NM_053027.4, NM_053028.4); short protein forms V217F, V41F.
Identifiers: ClinVar variation 539072 (VCV000539072.10), dbSNP rs1553824777, ClinGen allele CA354240863.
Genomic context (GRCh38, chr3:123,737,483, plus strand): 5'-TCACCACCAGGCACGTGTACACTCCCACGTCATCTTGGTTGACTCCATGGATTTCCAGAA[C>A]CTGCATGCCGTTCTTCTCAGACACAGACACACGGGCACTCGGCTGCAGTGGAACATTTCC-3'
Protein context (NP_444253.3, residues 207-227): VSVSEKNGMQ[Val217Phe]LEIHGVNQDD

ClinVar aggregate classification (germline): Uncertain significance. Review status: criteria provided, multiple submitters, no conflicts (2 of 4 stars). 2 submissions from 2 submitters: Uncertain significance (2). Last evaluated 2024-02-17.

Conditions:
Familial thoracic aortic aneurysm and aortic dissection (TAAD). Also called: Thoracic aortic aneurysms and dissections. Identifiers: Orphanet 91387, MedGen C4707243, MONDO:0019625.
Aortic aneurysm, familial thoracic 7 (AAT7). Also called: AORTIC DISSECTION, FAMILIAL, WITH OR WITHOUT AORTIC ANEURYSM. Identifiers: MedGen C3151077, MONDO:0013418, OMIM 613780.

gnomAD v4.1: 1 of 1,614,212 alleles (0.000062%); no homozygotes.

Submissions (2):

Labcorp Genetics (formerly Invitae), Labcorp
Classification: Uncertain significance for Aortic aneurysm, familial thoracic 7. Last evaluated: 2024-02-17. Review status: criteria provided, single submitter. Criteria: Invitae Variant Classification Sherloc (09022015). Collection method: clinical testing. Allele origin: germline.
Comment: This sequence change replaces valine, which is neutral and non-polar, with phenylalanine, which is neutral and non-polar, at codon 217 of the MYLK protein (p.Val217Phe). This variant is not present in population databases (gnomAD no frequency). This variant has not been reported in the literature in individuals affected with MYLK-related conditions. ClinVar contains an entry for this variant (Variation ID: 539072). Advanced modeling of protein sequence and biophysical properties (such as structural, functional, and spatial information, amino acid conservation, physicochemical variation, residue mobility, and thermodynamic stability) performed at Invitae indicates that this missense variant is not expected to disrupt MYLK protein function with a negative predictive value of 95%. In summary, the available evidence is currently insufficient to determine the role of this variant in disease. Therefore, it has been classified as a Variant of Uncertain Significance.

Ambry Genetics
Classification: Uncertain significance for Familial thoracic aortic aneurysm and aortic dissection. Last evaluated: 2022-12-06. Review status: criteria provided, single submitter. Criteria: Ambry Variant Classification Scheme 2023. Collection method: clinical testing. Allele origin: germline.
Comment: The p.V217F variant (also known as c.649G>T), located in coding exon 5 of the MYLK gene, results from a G to T substitution at nucleotide position 649. The valine at codon 217 is replaced by phenylalanine, an amino acid with highly similar properties. This amino acid position is conserved. In addition, this alteration is predicted to be tolerated by in silico analysis. Since supporting evidence is limited at this time, the clinical significance of this alteration remains unclear.